The following is an entry in ClinVar:

ClinVar aggregate classification (germline): Uncertain significance (1 of 4 stars; one submission).

Submission:

Labcorp Genetics (formerly Invitae), Labcorp
Classification: Uncertain significance. Last evaluated: 2023-11-19. Review status: criteria provided, single submitter. Criteria: Invitae Variant Classification Sherloc (09022015). Collection method: clinical testing. Allele origin: germline.
Comment: This sequence change replaces threonine, which is neutral and polar, with alanine, which is neutral and non-polar, at codon 675 of the AGAP1 protein (p.Thr675Ala). This variant is not present in population databases (gnomAD no frequency). This variant has not been reported in the literature in individuals affected with AGAP1-related conditions. Algorithms developed to predict the effect of missense changes on protein structure and function output the following: SIFT: "Not Available"; PolyPhen-2: "Benign"; Align-GVGD: "Not Available". The alanine amino acid residue is found in multiple mammalian species, which suggests that this missense change does not adversely affect protein function. In summary, the available evidence is currently insufficient to determine the role of this variant in disease. Therefore, it has been classified as a Variant of Uncertain Significance.

NM_001037131.3(AGAP1):c.2182A>G (p.Thr728Ala)

Gene: AGAP1 (ArfGAP with GTPase domain, ankyrin repeat and PH domain 1; plus strand). Cytogenetic location: 2q37.2.
Variant type: single nucleotide variant.
Coding change: c.2182A>G on transcript NM_001037131.3 (MANE Select); coding-DNA position 2182, A replaced by G.
Protein change: p.Thr728Ala; replaces threonine 728 with alanine.
Molecular consequence: missense variant.
Genome position (GRCh38, 1-based): chr2:236,120,259, A>G. VCF-style: chr2-236120259-A-G. GRCh37 (hg19) VCF-style: chr2-237028903-A-G.
Other names: c.2023A>G, p.Thr675Ala (NM_014914.5); short protein forms T728A, T675A.
Identifiers: ClinVar variation 2697501 (VCV002697501.3), dbSNP rs2471067680, ClinGen allele CA351158896.